The following is an entry in ClinVar:

NM_001080414.4(CCDC88C):c.3904G>A (p.Glu1302Lys)

Gene: CCDC88C (coiled-coil domain containing 88C; minus strand). Cytogenetic location: 14q32.11.
Variant type: single nucleotide variant.
Coding change: c.3904G>A on transcript NM_001080414.4 (MANE Select); coding-DNA position 3904, G replaced by A.
Protein change: p.Glu1302Lys; replaces glutamic acid 1302 with lysine.
Molecular consequence: missense variant.
Genome position (GRCh38, 1-based): chr14:91,297,367, C>T on the plus strand (G>A on the coding strand, the complement: CCDC88C is on the minus strand). VCF-style: chr14-91297367-C-T. GRCh37 (hg19) VCF-style: chr14-91763711-C-T.
Other names: c.3904G>A (NM_001080414.3); short protein forms E1302K.
Identifiers: ClinVar variation 1049262 (VCV001049262.4), dbSNP rs761146967, ClinGen allele CA7309185.

ClinVar aggregate classification (germline): Uncertain significance. Review status: criteria provided, multiple submitters, no conflicts (2 of 4 stars). 4 submissions from 4 submitters: Uncertain significance (3). 1 of the submissions does not count toward it. Last evaluated 2024-02-27.

Conditions:
Inborn genetic diseases. Identifiers: MedGen C0950123, MeSH D030342.

Allele frequency attached by ClinVar (database versions not stated): TOPMed below 0.00001; gnomAD exomes 0.00001 and 0.00004; ExAC 0.00002.
gnomAD v4.1: 51 of 1,613,670 alleles (0.0032%); highest among the groups gnomAD compares: Non-Finnish European, 0.0042%; no homozygotes.

Submissions (4):

Ambry Genetics
Classification: Uncertain significance for Inborn genetic diseases. Last evaluated: 2024-02-27. Review status: criteria provided, single submitter. Criteria: Ambry Variant Classification Scheme 2023. Collection method: clinical testing. Allele origin: germline.

Women's Health and Genetics/Laboratory Corporation of America, LabCorp
Classification: Uncertain significance. Last evaluated: 2023-07-20. Review status: criteria provided, single submitter. Criteria: LabCorp Variant Classification Summary - May 2015. Collection method: clinical testing. Allele origin: germline.
Comment: Variant summary: CCDC88C c.3904G>A (p.Glu1302Lys) results in a conservative amino acid change in the encoded protein sequence. Four of five in-silico tools predict a benign effect of the variant on protein function. The variant allele was found at a frequency of 8.1e-06 in 248126 control chromosomes. The available data on variant occurrences in the general population are insufficient to allow any conclusion about variant significance. To our knowledge, no occurrence of c.3904G>A in individuals affected with CCDC88C-Related Disorders and no experimental evidence demonstrating its impact on protein function have been reported. One submitter has cited clinical-significance assessments for this variant to ClinVar after 2014 and has classified the variant as uncertain significance. Based on the evidence outlined above, the variant was classified as uncertain significance.

Labcorp Genetics (formerly Invitae), Labcorp
Classification: Uncertain significance. Last evaluated: 2022-03-29. Review status: criteria provided, single submitter. Criteria: Invitae Variant Classification Sherloc (09022015). Collection method: clinical testing. Allele origin: germline.
Comment: This sequence change replaces glutamic acid, which is acidic and polar, with lysine, which is basic and polar, at codon 1302 of the CCDC88C protein (p.Glu1302Lys). This variant is present in population databases (rs761146967, gnomAD 0.002%). This variant has not been reported in the literature in individuals affected with CCDC88C-related conditions. ClinVar contains an entry for this variant (Variation ID: 1049262). Algorithms developed to predict the effect of missense changes on protein structure and function output the following: SIFT: "Tolerated"; PolyPhen-2: "Benign"; Align-GVGD: "Class C0". The lysine amino acid residue is found in multiple mammalian species, which suggests that this missense change does not adversely affect protein function. In summary, the available evidence is currently insufficient to determine the role of this variant in disease. Therefore, it has been classified as a Variant of Uncertain Significance.

Department of Pathology and Laboratory Medicine, Sinai Health System
Classification: Uncertain significance. Review status: no assertion criteria provided. Collection method: clinical testing. Allele origin: unknown. Affected: yes. Study: The Canadian Open Genetics Repository (COGR). Not counted in ClinVar's aggregate classification.
Comment: The CCDC88C p.Glu1302Lys variant was not identified in the literature nor was it identified in ClinVar or LOVD 3.0. The variant was identified in dbSNP (ID: rs761146967) and in control databases in 3 of 279516 chromosomes at a frequency of 0.000011 (Genome Aggregation Database March 6, 2019, v2.1.1). The variant was observed in the European (non-Finnish) population in 3 of 127912 chromosomes (freq: 0.000023), but was not observed in the African, Latino, Ashkenazi Jewish, East Asian, European (Finnish), Other, or South Asian populations. The p.Glu1302 residue is conserved in mammals but not in more distantly related organisms however four out of five computational analyses (PolyPhen-2, SIFT, AlignGVGD, BLOSUM, MutationTaster) do not suggest a high likelihood of impact to the protein; this information is not predictive enough to rule out pathogenicity. The variant occurs outside of the splicing consensus sequence and in silico or computational prediction software programs (SpliceSiteFinder, MaxEntScan, NNSPLICE, GeneSplicer) do not predict a difference in splicing. In summary, based on the above information the clinical significance of this variant cannot be determined with certainty at this time. This variant is classified as a variant of uncertain significance.